The following is an entry in ClinVar:

NM_004187.5(KDM5C):c.4022G>A (p.Gly1341Asp)

Gene: KDM5C (lysine demethylase 5C; minus strand). Cytogenetic location: Xp11.22.
Variant type: single nucleotide variant.
Coding change: c.4022G>A on transcript NM_004187.5 (MANE Select); coding-DNA position 4022, G replaced by A.
Protein change: p.Gly1341Asp; replaces glycine 1341 with aspartic acid.
Molecular consequence: missense variant. On other transcripts: non-coding transcript variant (3).
Genome position (GRCh38, 1-based): chrX:53,194,155, C>T on the plus strand (G>A on the coding strand, the complement: KDM5C is on the minus strand). VCF-style: chrX-53194155-C-T. GRCh37 (hg19) VCF-style: chrX-53223337-C-T.
Other names: c.3821G>A, p.Gly1274Asp (NM_001146702.2); c.4019G>A, p.Gly1340Asp (NM_001282622.3, NM_001353979.2, NM_001353982.2); c.4022G>A, p.Gly1341Asp (NM_001353978.3, NM_001353981.2, NM_001353984.2); short protein forms G1274D, G1341D, G1340D.
Identifiers: ClinVar variation 2716589 (VCV002716589.3), dbSNP rs2146819122, ClinGen allele CA413105810.

ClinVar aggregate classification (germline): Uncertain significance (1 of 4 stars; one submission).

Conditions:
Spastic paraplegia. Identifiers: MedGen C0037772, HP:0001258.

Submission:

Labcorp Genetics (formerly Invitae), Labcorp
Classification: Uncertain significance for Spastic paraplegia. Last evaluated: 2023-12-11. Review status: criteria provided, single submitter. Criteria: Invitae Variant Classification Sherloc (09022015). Collection method: clinical testing. Allele origin: germline.
Comment: This sequence change replaces glycine, which is neutral and non-polar, with aspartic acid, which is acidic and polar, at codon 1341 of the KDM5C protein (p.Gly1341Asp). This variant is not present in population databases (gnomAD no frequency). This variant has not been reported in the literature in individuals affected with KDM5C-related conditions. Advanced modeling of protein sequence and biophysical properties (such as structural, functional, and spatial information, amino acid conservation, physicochemical variation, residue mobility, and thermodynamic stability) performed at Invitae indicates that this missense variant is not expected to disrupt KDM5C protein function with a negative predictive value of 95%. In summary, the available evidence is currently insufficient to determine the role of this variant in disease. Therefore, it has been classified as a Variant of Uncertain Significance.